The following is an entry in ClinVar:

ClinVar aggregate classification (germline): Pathogenic (1 of 4 stars; one submission).

Submission:

Labcorp Genetics (formerly Invitae), Labcorp
Classification: Pathogenic. Last evaluated: 2022-07-05. Review status: criteria provided, single submitter. Criteria: Invitae Variant Classification Sherloc (09022015). Collection method: clinical testing. Allele origin: germline.
Comment: A gross deletion of the genomic region encompassing the full coding sequence of the NAXE gene has been identified. Loss-of-function variants in NAXE are known to be pathogenic (PMID: 27290639, 27616477, 33798445). The boundaries of this event are unknown as they extend beyond the assayed region for this gene and therefore may encompass additional genes. This variant has not been reported in the literature in individuals affected with NAXE-related conditions. For these reasons, this variant has been classified as Pathogenic.

Literature cited by the submitters: PubMed 27290639; PubMed 27616477; PubMed 33798445.

NC_000001.10:g.(?_156554669)_(156568838_?)del

Genes: GPATCH4 (G-patch domain containing 4 (gene/pseudogene); minus strand), NAXE (NAD(P)HX epimerase; plus strand), TTC24 (tetratricopeptide repeat domain 24; plus strand). Cytogenetic location: 1q23.1.
Variant type: Deletion.
Identifiers: ClinVar variation 2427315 (VCV002427315.4).